The following is an entry in ClinVar:

ClinVar aggregate classification (germline): Uncertain significance (1 of 4 stars; one submission).

Conditions:
Hereditary cancer-predisposing syndrome. Also called: Neoplastic Syndromes, Hereditary; Hereditary neoplastic syndrome; Tumor predisposition; Hereditary Cancer Syndrome. Identifiers: Orphanet 140162, MedGen C0027672, MeSH D009386, MONDO:0015356.

Submission:

Ambry Genetics
Classification: Uncertain significance for Hereditary cancer-predisposing syndrome. Last evaluated: 2023-02-15. Review status: criteria provided, single submitter. Criteria: Ambry Variant Classification Scheme 2023. Collection method: clinical testing. Allele origin: germline.
Comment: The p.T717S variant (also known as c.2149A>T), located in coding exon 14 of the PDGFRA gene, results from an A to T substitution at nucleotide position 2149. The threonine at codon 717 is replaced by serine, an amino acid with similar properties. This amino acid position is conserved. In addition, this alteration is predicted to be tolerated by in silico analysis. Since supporting evidence is limited at this time, the clinical significance of this alteration remains unclear.

NM_006206.6(PDGFRA):c.2149A>T (p.Thr717Ser)

Gene: PDGFRA (platelet derived growth factor receptor alpha; plus strand). Cytogenetic location: 4q12.
Variant type: single nucleotide variant.
Coding change: c.2149A>T on transcript NM_006206.6 (MANE Select); coding-DNA position 2149, A replaced by T.
Protein change: p.Thr717Ser; replaces threonine 717 with serine.
Molecular consequence: missense variant.
Genome position (GRCh38, 1-based): chr4:54,278,508, A>T. VCF-style: chr4-54278508-A-T. GRCh37 (hg19) VCF-style: chr4-55144675-A-T.
Other names: c.2149A>T, p.Thr717Ser (NM_001347827.2, NM_001347829.2); c.2224A>T, p.Thr742Ser (NM_001347828.2); c.2188A>T, p.Thr730Ser (NM_001347830.2); short protein forms T730S, T717S, T742S.
Identifiers: ClinVar variation 2453871 (VCV002453871.2), dbSNP rs2110316985, ClinGen allele CA356894156.
Genomic context (GRCh38, chr4:54,278,508, plus strand): 5'-CACCCAGAGAAGCCAAAGAAAGAGCTGGATATCTTTGGATTGAACCCTGCTGATGAAAGC[A>T]CACGGAGGTGGGTGCAAAGAGAGATGTTGCTGTCTATCATTATCTTACAGGCATCACAAA-3'
Protein context (NP_006197.1, residues 707-727): IFGLNPADES[Thr717Ser]RSYVILSFEN